The following is an entry in ClinVar:

ClinVar aggregate classification (germline): Likely pathogenic (1 of 4 stars; one submission).

Conditions:
Hypertrophic cardiomyopathy 4. Also called: Familial hypertrophic cardiomyopathy 4. Identifiers: MedGen C1861862, MONDO:0007268, OMIM 115197.

Submission:

3billion
Classification: Likely pathogenic for Hypertrophic cardiomyopathy 4. Last evaluated: 2024-01-11. Review status: criteria provided, single submitter. Criteria: ACMG Guidelines, 2015. Collection method: clinical testing. Allele origin: germline. Affected: yes.
Comment: The variant is not observed in the gnomAD v2.1.1 dataset. Predicted Consequence/Location: Stop-gained (nonsense): predicted to result in a loss or disruption of normal protein function through nonsense-mediated decay (NMD) or protein truncation. Multiple pathogenic variants are reported downstream of the variant. Therefore, this variant is classified as Likely pathogenic according to the recommendation of ACMG/AMP guideline.

NM_000256.3(MYBPC3):c.115A>T (p.Lys39Ter)

Gene: MYBPC3 (myosin binding protein C3; minus strand). Cytogenetic location: 11p11.2.
Variant type: single nucleotide variant.
Coding change: c.115A>T on transcript NM_000256.3 (MANE Select); coding-DNA position 115, A replaced by T.
Protein change: p.Lys39Ter; replaces lysine 39 with a stop codon.
Molecular consequence: nonsense.
Genome position (GRCh38, 1-based): chr11:47,351,416, T>A on the plus strand (A>T on the coding strand, the complement: MYBPC3 is on the minus strand). VCF-style: chr11-47351416-T-A. GRCh37 (hg19) VCF-style: chr11-47372967-T-A.
Other names: short protein forms K39*.
Identifiers: ClinVar variation 3776210 (VCV003776210.1).